The following is an entry in ClinVar:

ClinVar aggregate classification (germline): Uncertain significance (1 of 4 stars; one submission).

Submission:

Labcorp Genetics (formerly Invitae), Labcorp
Classification: Uncertain significance. Last evaluated: 2025-11-23. Review status: criteria provided, single submitter. Criteria: Invitae Variant Classification Sherloc (09022015). Collection method: clinical testing. Allele origin: germline.
Comment: This variant, c.1025_1027del, results in the deletion of 1 amino acid(s) of the ZNF513 protein (p.Gly342del), but otherwise preserves the integrity of the reading frame. This variant is present in population databases (rs773910956, gnomAD 0.003%). This variant has not been reported in the literature in individuals affected with ZNF513-related conditions. Experimental studies and prediction algorithms are not available or were not evaluated, and the functional significance of this variant is currently unknown. In summary, the available evidence is currently insufficient to determine the role of this variant in disease. Therefore, it has been classified as a Variant of Uncertain Significance.

NM_144631.6(ZNF513):c.1022GAG[1] (p.Gly342del)

Gene: ZNF513 (zinc finger protein 513; minus strand). Cytogenetic location: 2p23.3.
Variant type: Microsatellite.
Coding change: c.1022GAG[1] on transcript NM_144631.6 (MANE Select); one copy of the 3-base unit GAG starting at c.1022; the reference has two copies in a row; one copy, 3 bases deleted.
Protein change: p.Gly342del; deletes glycine 342.
Molecular consequence: inframe deletion.
Genome position (GRCh38, 1-based): chr2:27,378,144-27,378,146, CTC deleted on the plus strand (GAG on the coding strand, the reverse complement: ZNF513 is on the minus strand); deleting any 3 consecutive bases within chr2:27,378,144-27,378,149 gives the same sequence; the position shown is the placement nearest the transcript's 3' end. VCF-style (leftmost placement, unchanged base first): chr2-27378143-TCTC-T. GRCh37 (hg19) VCF-style: chr2-27601010-TCTC-T.
Other names: c.836GAG[1], p.Gly280del (NM_001201459.2); short protein forms G280del, G342del.
Identifiers: ClinVar variation 1950078 (VCV001950078.5), dbSNP rs773910956, ClinGen allele CA1577871.
Genomic context (GRCh38, chr2:27,378,143, plus strand): 5'-CTACAGGCAAAGCCTTTGTCACTGGGGCCCTGGGGCCCCCCACTGGCACCCCCTCCAGCC[TCTC>T]CTCGCATGCAGCGCCCACACATGGCAGCTCCCAGCCGACTACCCTCACCCTCCTCCAGCT-3'